The following is an entry in ClinVar:

ClinVar aggregate classification (germline): Pathogenic. Review status: criteria provided, multiple submitters, no conflicts (2 of 4 stars). 2 submissions from 2 submitters: Pathogenic (2). Last evaluated 2025-06-27.

Submissions (2):

GeneDx
Classification: Pathogenic. Last evaluated: 2025-06-27. Review status: criteria provided, single submitter. Criteria: GeneDx Variant Classification Process June 2021. Collection method: clinical testing. Allele origin: germline. Affected: yes.
Comment: Frameshift variant predicted to result in abnormal protein length as the last 90 amino acid(s) are replaced with 22 different amino acid(s); Not observed at significant frequency in large population cohorts (gnomAD); This variant is associated with the following publications: (PMID: 28403181, 30107846, 30764848)

Eurofins Ntd Llc (ga)
Classification: Pathogenic. Last evaluated: 2016-09-06. Review status: criteria provided, single submitter. Criteria: EGL Classification Definitions 2015. Collection method: clinical testing. Allele origin: germline. Observed: 1 variant allele, 1 heterozygote.

NM_000023.4(SGCA):c.892del (p.Leu298fs)

Gene: SGCA (sarcoglycan alpha; plus strand). Cytogenetic location: 17q21.33.
Variant type: Deletion.
Coding change: c.892del on transcript NM_000023.4 (MANE Select); coding-DNA position 892, one base deleted (C; older notation c.892delC).
Protein change: p.Leu298fs; shifts the reading frame from leucine 298.
Molecular consequence: frameshift variant. On other transcripts: intron variant (1).
Genome position (GRCh38, 1-based): chr17:50,170,287, C deleted; the last of 4 consecutive C bases (chr17:50,170,284-50,170,287); deleting any one gives the same sequence. VCF-style (leftmost placement, unchanged base first): chr17-50170283-GC-G. GRCh37 (hg19) VCF-style: chr17-48247644-GC-G.
Other names: c.585-353del (NM_001135697.3); c.892del (NM_000023.2); short protein forms L298fs.
Identifiers: ClinVar variation 497197 (VCV000497197.6), dbSNP rs886044512, ClinGen allele CA10606852.